The following is an entry in ClinVar:

ClinVar aggregate classification (germline): Uncertain significance. Review status: criteria provided, multiple submitters, no conflicts (2 of 4 stars). 2 submissions from 2 submitters: Uncertain significance (2). Last evaluated 2022-11-16.

Conditions:
Febrile seizures, familial, 8 (FEB8). Also called: CONVULSIONS, FAMILIAL FEBRILE, 8. Identifiers: Orphanet 36387, MedGen C1969810, MONDO:0011891, OMIM 607681.
EPILEPSY, CHILDHOOD ABSENCE, SUSCEPTIBILITY TO, 2 (ECA2). Identifiers: Orphanet 64280, MedGen C1843244, OMIM 607681.

gnomAD v4.1: 2 of 1,613,850 alleles (0.00012%); highest among the groups gnomAD compares: Non-Finnish European, 0.00017%; no homozygotes.

Submissions (2):

Blueprint Genetics
Classification: Uncertain significance. Last evaluated: 2022-11-16. Review status: criteria provided, single submitter. Criteria: ACMG Guidelines, 2015. Collection method: clinical testing. Allele origin: germline.

Labcorp Genetics (formerly Invitae), Labcorp
Classification: Uncertain significance for Febrile seizures, familial, 8; EPILEPSY, CHILDHOOD ABSENCE, SUSCEPTIBILITY TO, 2. Last evaluated: 2022-09-02. Review status: criteria provided, single submitter. Criteria: Invitae Variant Classification Sherloc (09022015). Collection method: clinical testing. Allele origin: germline.
Comment: In summary, the available evidence is currently insufficient to determine the role of this variant in disease. Therefore, it has been classified as a Variant of Uncertain Significance. Advanced modeling of protein sequence and biophysical properties (such as structural, functional, and spatial information, amino acid conservation, physicochemical variation, residue mobility, and thermodynamic stability) performed at Invitae indicates that this missense variant is not expected to disrupt GABRG2 protein function. This variant has not been reported in the literature in individuals affected with GABRG2-related conditions. This variant is not present in population databases (gnomAD no frequency). This sequence change replaces arginine, which is basic and polar, with serine, which is neutral and polar, at codon 215 of the GABRG2 protein (p.Arg215Ser).

NM_198904.4(GABRG2):c.643C>A (p.Arg215Ser)

Gene: GABRG2 (gamma-aminobutyric acid type A receptor subunit gamma2; plus strand). Cytogenetic location: 5q34.
Variant type: single nucleotide variant.
Coding change: c.643C>A on transcript NM_198904.4 (MANE Select); coding-DNA position 643, C replaced by A.
Protein change: p.Arg215Ser; replaces arginine 215 with serine.
Molecular consequence: missense variant.
Genome position (GRCh38, 1-based): chr5:162,103,900, C>A. VCF-style: chr5-162103900-C-A. GRCh37 (hg19) VCF-style: chr5-161530906-C-A.
Other names: c.643C>A, p.Arg215Ser (NM_000816.3, NM_001375340.1, NM_001375341.1 and 2 more transcripts); c.634C>A, p.Arg212Ser (NM_001375339.1); c.763C>A, p.Arg255Ser (NM_001375343.1, NM_198903.2); c.577C>A, p.Arg193Ser (NM_001375345.1, NM_001375346.1); c.556C>A, p.Arg186Ser (NM_001375347.1); c.223C>A, p.Arg75Ser (NM_001375348.1, NM_001375350.1); c.358C>A, p.Arg120Ser (NM_001375349.1); short protein forms R120S, R255S, R186S, R212S, R75S, R193S, R215S.
Identifiers: ClinVar variation 2055812 (VCV002055812.5), dbSNP rs746626989, ClinGen allele CA362184984.